The following is an entry in ClinVar:

ClinVar aggregate classification (germline): Uncertain significance. Review status: criteria provided, multiple submitters, no conflicts (2 of 4 stars). 3 submissions from 3 submitters: Uncertain significance (3). Last evaluated 2025-12-02.

Conditions:
Cardiovascular phenotype. Identifiers: MedGen CN230736.
Dilated cardiomyopathy 1HH (CMD1HH). Identifiers: Orphanet 154, MedGen C3151293, MONDO:0013479, OMIM 613881.
Myofibrillar myopathy 6. Identifiers: Orphanet 199340, MedGen C2751831, MONDO:0013061, OMIM 612954.

Allele frequency attached by ClinVar (database versions not stated): gnomAD exomes 0.00002; TOPMed 0.00002.
gnomAD v4.1: 11 of 1,614,262 alleles (0.00068%); highest among the groups gnomAD compares: Admixed American, 0.017%; no homozygotes.

Submissions (3):

Labcorp Genetics (formerly Invitae), Labcorp
Classification: Uncertain significance for Dilated cardiomyopathy 1HH; Myofibrillar myopathy 6. Last evaluated: 2025-12-02. Review status: criteria provided, single submitter. Criteria: Invitae Variant Classification Sherloc (09022015). Collection method: clinical testing. Allele origin: germline.
Comment: This sequence change replaces proline, which is neutral and non-polar, with serine, which is neutral and polar, at codon 97 of the BAG3 protein (p.Pro97Ser). This variant is present in population databases (rs747274078, gnomAD 0.02%). This variant has not been reported in the literature in individuals affected with BAG3-related conditions. ClinVar contains an entry for this variant (Variation ID: 410235). Invitae Evidence Modeling of protein sequence and biophysical properties (such as structural, functional, and spatial information, amino acid conservation, physicochemical variation, residue mobility, and thermodynamic stability) indicates that this missense variant is expected to disrupt BAG3 protein function with a positive predictive value of 80%. In summary, the available evidence is currently insufficient to determine the role of this variant in disease. Therefore, it has been classified as a Variant of Uncertain Significance.

Ambry Genetics
Classification: Uncertain significance for Cardiovascular phenotype. Last evaluated: 2024-05-02. Review status: criteria provided, single submitter. Criteria: Ambry Variant Classification Scheme 2023. Collection method: clinical testing. Allele origin: germline.
Comment: The p.P97S variant (also known as c.289C>T), located in coding exon 2 of the BAG3 gene, results from a C to T substitution at nucleotide position 289. The proline at codon 97 is replaced by serine, an amino acid with similar properties. This amino acid position is highly conserved in available vertebrate species. In addition, this alteration is predicted to be deleterious by in silico analysis. Based on the available evidence, the clinical significance of this variant remains unclear.

Fulgent Genetics
Classification: Uncertain significance for Myofibrillar myopathy 6; Dilated cardiomyopathy 1HH. Last evaluated: 2021-09-15. Review status: criteria provided, single submitter. Criteria: ACMG Guidelines, 2015. Collection method: clinical testing. Allele origin: unknown.

NM_004281.4(BAG3):c.289C>T (p.Pro97Ser)

Gene: BAG3 (BAG cochaperone 3; plus strand). Cytogenetic location: 10q26.11.
Variant type: single nucleotide variant.
Coding change: c.289C>T on transcript NM_004281.4 (MANE Select); coding-DNA position 289, C replaced by T.
Protein change: p.Pro97Ser; replaces proline 97 with serine.
Molecular consequence: missense variant.
Genome position (GRCh38, 1-based): chr10:119,669,959, C>T. VCF-style: chr10-119669959-C-T. GRCh37 (hg19) VCF-style: chr10-121429471-C-T.
Other names: short protein forms P97S.
Identifiers: ClinVar variation 410235 (VCV000410235.10), dbSNP rs747274078, ClinGen allele CA5716282.